The following continues an entry in ClinVar:

NM_007294.4(BRCA1):c.2521C>T (p.Arg841Trp)

Gene: BRCA1. ClinVar aggregate classification (germline): Benign. Benign (1).

Submissions 21 to 43 of 43:

Eurofins Ntd Llc (ga)
Classification: Benign. Last evaluated: 2015-10-13. Review status: criteria provided, single submitter. Criteria: EGL Classification Definitions 2015. Collection method: clinical testing. Allele origin: germline. Observed: 1 variant allele, 1 homozygote. Not counted in ClinVar's aggregate classification.

Clinical Genetics DNA and cytogenetics Diagnostics Lab, Erasmus MC, Erasmus Medical Center
Classification: Benign for Breast-ovarian cancer, familial, susceptibility to, 1. Last evaluated: 2015-09-21. Review status: criteria provided, single submitter. Criteria: ACGS Guidelines, 2013. Collection method: clinical testing. Allele origin: germline. Affected: yes. Study: VKGL Data-share Consensus. Not counted in ClinVar's aggregate classification.

Color Diagnostics, LLC DBA Color Health
Classification: Likely benign for Hereditary cancer-predisposing syndrome. Last evaluated: 2014-12-13. Review status: criteria provided, single submitter. Criteria: ACMG Guidelines, 2015. Collection method: clinical testing. Allele origin: germline. Not counted in ClinVar's aggregate classification.

Genome Diagnostics Laboratory, University Medical Center Utrecht
Classification: Benign for Breast-ovarian cancer, familial, susceptibility to, 1. Last evaluated: 2014-10-09. Review status: criteria provided, single submitter. Criteria: ACGS Guidelines, 2013. Collection method: clinical testing. Allele origin: germline. Affected: yes. Study: VKGL Data-share Consensus. Not counted in ClinVar's aggregate classification.

Women's Health and Genetics/Laboratory Corporation of America, LabCorp
Classification: Benign for Hereditary breast ovarian cancer syndrome. Last evaluated: 2014-10-06. Review status: criteria provided, single submitter. Criteria: LabCorp Variant Classification Summary - May 2015. Collection method: clinical testing. Allele origin: germline. Not counted in ClinVar's aggregate classification.

Ambry Genetics
Classification: Benign for Hereditary cancer-predisposing syndrome. Last evaluated: 2014-07-14. Review status: criteria provided, single submitter. Criteria: Ambry Variant Classification Scheme 2023. Collection method: clinical testing. Allele origin: germline. Not counted in ClinVar's aggregate classification.

GeneDx
Classification: Benign. Last evaluated: 2013-11-04. Review status: criteria provided, single submitter. Criteria: GeneDx Variant Classification (06012015). Collection method: clinical testing. Allele origin: germline. Affected: yes. Not counted in ClinVar's aggregate classification.
Comment: This variant is considered likely benign or benign based on one or more of the following criteria: it is a conservative change, it occurs at a poorly conserved position in the protein, it is predicted to be benign by multiple in silico algorithms, and/or has population frequency not consistent with disease.

PreventionGenetics, part of Exact Sciences
Classification: Benign. Review status: criteria provided, single submitter. Criteria: ACMG Guidelines, 2015. Collection method: clinical testing. Allele origin: germline. Not counted in ClinVar's aggregate classification.

BRCAlab, Lund University
Classification: Benign for Breast-ovarian cancer, familial, susceptibility to, 1. Last evaluated: 2020-03-02. Review status: no assertion criteria provided. Collection method: clinical testing. Allele origin: germline. Affected: yes. Not counted in ClinVar's aggregate classification.

True Health Diagnostics
Classification: Likely benign for Hereditary cancer-predisposing syndrome. Last evaluated: 2017-10-10. Review status: no assertion criteria provided. Collection method: clinical testing. Allele origin: germline. Not counted in ClinVar's aggregate classification.

Mayo Clinic Laboratories, Mayo Clinic
Classification: Benign. Last evaluated: 2017-03-08. Review status: no assertion criteria provided. Collection method: clinical testing. Allele origin: unknown. Not counted in ClinVar's aggregate classification.

Department of Medical Genetics, University Hospital of North Norway
Classification: Likely benign for Breast-ovarian cancer, familial, susceptibility to, 1. Last evaluated: 2016-05-01. Review status: no assertion criteria provided. Collection method: clinical testing. Allele origin: germline. Affected: no. Observed: 1 variant allele. Not counted in ClinVar's aggregate classification.

Counsyl
Classification: Likely benign for Breast-ovarian cancer, familial 1. Last evaluated: 2014-02-18. Review status: no assertion criteria provided. Collection method: literature only. Allele origin: unknown. Inheritance: Autosomal dominant inheritance. Not counted in ClinVar's aggregate classification.

ITMI
No classification provided. Condition: AllHighlyPenetrant. Last evaluated: 2013-09-19. Review status: no classification provided. Collection method: reference population. Allele origin: germline. Not counted in ClinVar's aggregate classification.
Comment: Please see associated publication for description of ethnicities

OMIM
Classification: Uncertain significance for RECLASSIFIED - VARIANT OF UNKNOWN SIGNIFICANCE. Last evaluated: 2012-11-01. Review status: no assertion criteria provided. Collection method: literature only. Allele origin: germline. Not counted in ClinVar's aggregate classification.

Biesecker Lab/Clinical Genomics Section, National Institutes of Health
Classification: Benign. Last evaluated: 2012-07-13. Review status: no assertion criteria provided. Collection method: research. Allele origin: germline. Affected: no. Observed: 3 variant alleles. Study: ClinSeq. Not counted in ClinVar's aggregate classification.
ClinVar note: Converted during submission from no known pathogenicity to Benign.

Sharing Clinical Reports Project (SCRP)
Classification: Benign for Breast-ovarian cancer, familial 1. Last evaluated: 2011-03-01. Review status: no assertion criteria provided. Collection method: clinical testing. Allele origin: germline. Not counted in ClinVar's aggregate classification.

Breast Cancer Information Core (BIC) (BRCA1)
Classification: Uncertain significance for Breast-ovarian cancer, familial 1. Last evaluated: 2002-05-29. Review status: no assertion criteria provided. Collection method: clinical testing. Allele origin: germline. Affected: yes. Observed: 121 variant alleles. Not counted in ClinVar's aggregate classification.

Clinical Genetics Laboratory, Department of Pathology, Netherlands Cancer Institute
Classification: Benign. Review status: no assertion criteria provided. Collection method: clinical testing. Allele origin: germline. Affected: yes. Study: VKGL Data-share Consensus. Not counted in ClinVar's aggregate classification.

Department of Pathology and Laboratory Medicine, Sinai Health System
Classification: Benign. Review status: no assertion criteria provided. Collection method: clinical testing. Allele origin: unknown. Affected: yes. Observed: 12 variant alleles. Study: The Canadian Open Genetics Repository (COGR). Not counted in ClinVar's aggregate classification.
Comment: The p.Arg841Trp variant has been previously reported in 16/8958 proband chromosomes (frequency: 0.002) in individuals with breast or ovarian cancer, however, no controls were included in these studies (Barker 1996, Borg 2010, Diez 2003, Janezic 1999, Pal 2004, Shattuck-Eidens 1997). The variant was also listed in the dbSNP database as having an average heterozygosity of 0.006+/-0.056 (ID#:rs1800709), increasing the likelihood this variant does not have clinical significance. The p.Arg841 residue is not conserved in mammals or lower organisms; however, computational analyses (SIFT, AlignGVGD) provide inconsistent predictions regarding the impact to the protein and this information is not very predictive of pathogenicity. There are also numerous studies in the literature which have attempted to classify this variant using different modeling appoaches but the effect of this variant on protein function remains undetermined (Burk Herrick 2006, Chenevix-Trench 2006, Goldgar 2004, Fleming 2003, Lindor 2011, Petersen 1998). Notably, this variant was reported in the UMD database, 54 times and in 6 individuals with a second pathogenic variant in either the BRCA1 or BRCA2 genes, increasing the likelihood the p.Arg841Trp variant is benign. It is also reported 114 times in the BIC database with unknown clinical consequence, although this high frequency might suggest it is a common benign polymorphism. Finally, this variant was reported by Myriad as a common polymorphism. In summary, based on the above information, this variant is classified as benign.

Diagnostic Laboratory, Department of Genetics, University Medical Center Groningen
Classification: Benign for Breast-ovarian cancer, familial, susceptibility to, 1. Review status: no assertion criteria provided. Collection method: clinical testing. Allele origin: germline. Affected: yes. Study: VKGL Data-share Consensus. Not counted in ClinVar's aggregate classification.

Joint Genome Diagnostic Labs from Nijmegen and Maastricht, Radboudumc and MUMC+
Classification: Benign. Review status: no assertion criteria provided. Collection method: clinical testing. Allele origin: germline. Affected: yes. Study: VKGL Data-share Consensus. Not counted in ClinVar's aggregate classification.

Laboratory of Diagnostic Genome Analysis, Leiden University Medical Center (LUMC)
Classification: Benign. Review status: no assertion criteria provided. Collection method: clinical testing. Allele origin: germline. Affected: yes. Study: VKGL Data-share Consensus. Not counted in ClinVar's aggregate classification.

Literature cited by the submitters: PubMed 21990134 (cited by 4 submitters); PubMed 34242281 (cited by Quest Diagnostics Nichols Institute San Juan Capistrano); PubMed 34930165 (cited by Quest Diagnostics Nichols Institute San Juan Capistrano); PubMed 35585550 (cited by Quest Diagnostics Nichols Institute San Juan Capistrano); PubMed 20104584 (cited by Quest Diagnostics Nichols Institute San Juan Capistrano and Women's Health and Genetics/Laboratory Corporation of America, LabCorp); PubMed 15290653 (cited by 3 submitters); PubMed 12955716 (cited by Quest Diagnostics Nichols Institute San Juan Capistrano); PubMed 12531920 (cited by Quest Diagnostics Nichols Institute San Juan Capistrano); PubMed 16518693 (cited by Quest Diagnostics Nichols Institute San Juan Capistrano); PubMed 16014699 (cited by 3 submitters); PubMed 18415037 (cited by Quest Diagnostics Nichols Institute San Juan Capistrano); PubMed 16489001 (cited by Quest Diagnostics Nichols Institute San Juan Capistrano and Counsyl); PubMed 17279547 (cited by Quest Diagnostics Nichols Institute San Juan Capistrano); PubMed 12900794 (cited by Quest Diagnostics Nichols Institute San Juan Capistrano); PubMed 9585599 (cited by Quest Diagnostics Nichols Institute San Juan Capistrano); PubMed 8776600 (cited by Quest Diagnostics Nichols Institute San Juan Capistrano and Counsyl); PubMed 8968716 (cited by 4 submitters); PubMed 21520273 (cited by Quest Diagnostics Nichols Institute San Juan Capistrano and Counsyl); PubMed 15533909 (cited by Quest Diagnostics Nichols Institute San Juan Capistrano); PubMed 28283652 (cited by Quest Diagnostics Nichols Institute San Juan Capistrano); PubMed 36329109 (cited by Genetics Program, Instituto Nacional de Cancer); PubMed 16267036 (cited by Women's Health and Genetics/Laboratory Corporation of America, LabCorp); PubMed 21702907 (cited by Women's Health and Genetics/Laboratory Corporation of America, LabCorp and Counsyl); PubMed 21203900 (cited by Women's Health and Genetics/Laboratory Corporation of America, LabCorp); PubMed 24916970 (cited by Women's Health and Genetics/Laboratory Corporation of America, LabCorp); PubMed 9760198 (cited by Women's Health and Genetics/Laboratory Corporation of America, LabCorp); PubMed 27495310 (cited by Department of Medical Genetics, University Hospital of North Norway); PubMed 24728327 (cited by ITMI); PubMed 22753008 (cited by OMIM).